The following is an entry in ClinVar:

ClinVar aggregate classification (germline): Pathogenic (1 of 4 stars; one submission).

Conditions:
Cerebral cavernous malformation 3. Also called: Familial Cerebral Cavernous Malformation 3. Identifiers: Orphanet 221061, MedGen C1864040, MONDO:0011305, OMIM 603285.

Submission:

Labcorp Genetics (formerly Invitae), Labcorp
Classification: Pathogenic for Cerebral cavernous malformation 3. Last evaluated: 2023-12-13. Review status: criteria provided, single submitter. Criteria: Invitae Variant Classification Sherloc (09022015). Collection method: clinical testing. Allele origin: unknown.
Comment: This variant is a gross deletion of the genomic region encompassing exon(s) 3-8 of the PDCD10 gene, which includes the termination codon. This deletion extends beyond the assayed region for this gene and therefore may encompass additional genes. While this deletion is not anticipated to lead to nonsense mediated decay, it is expected to alter mRNA translation or result in a truncated protein product. This variant has not been reported in the literature in individuals affected with PDCD10-related conditions. This variant disrupts a region of the PDCD10 protein in which other variant(s) (p.Arg196*) have been determined to be pathogenic (PMID: 15543491, 30161288). This suggests that this is a clinically significant region of the protein, and that variants that disrupt it are likely to be disease-causing. For these reasons, this variant has been classified as Pathogenic.

Literature cited by the submitters: PubMed 15543491; PubMed 30161288.

NC_000003.11:g.(?_167402096)_(167422703_?)del

Gene: PDCD10 (programmed cell death 10; minus strand). Cytogenetic location: 3q26.1.
Variant type: Deletion.
Identifiers: ClinVar variation 3246892 (VCV003246892.1).